The following is an entry in ClinVar:

ClinVar aggregate classification (germline): Pathogenic (1 of 4 stars; one submission).

Conditions:
Brittle cornea syndrome 1 (BCS1). Also called: CORNEAL FRAGILITY, KERATOGLOBUS, BLUE SCLERAE, JOINT HYPEREXTENSIBILITY; EDS6B; FRAGILITAS OCULI WITH JOINT HYPEREXTENSIBILITY; Corneal fragility keratoglobus, blue sclerae AND joint hypermobility; DYSGENESIS MESODERMALIS CORNEAE ET SCLERAE. Identifiers: Orphanet 90354, MedGen C0268344, MONDO:0024543, OMIM 229200.

Submission:

Women's Health and Genetics/Laboratory Corporation of America, LabCorp
Classification: Pathogenic for Brittle cornea syndrome 1. Last evaluated: 2025-06-02. Review status: criteria provided, single submitter. Criteria: LabCorp Variant Classification Summary - May 2015. Collection method: clinical testing. Allele origin: germline.
Comment: Variant summary: ZNF469 c.5281dupA (p.Ser1761LysfsX2) results in a premature termination codon, predicted to cause a truncation of the encoded protein. The variant was absent in 152554 control chromosomes. To our knowledge, no occurrence of c.5281dupA in individuals affected with Brittle cornea syndrome 1 and no experimental evidence demonstrating its impact on protein function have been reported. Multiple variants downstream of this position have been classified by our laboratory and/or reported to ClinVar as pathogenic/likely pathogenic. No submitters have cited clinical-significance assessments for this variant to ClinVar. Based on the evidence outlined above, the variant was classified as pathogenic.

NM_001367624.2(ZNF469):c.5281dup (p.Ser1761fs)

Gene: ZNF469 (zinc finger protein 469; plus strand). Cytogenetic location: 16q24.2.
Variant type: Duplication.
Coding change: c.5281dup on transcript NM_001367624.2 (MANE Select); coding-DNA position 5281, one base duplicated (A; older notation c.5281dupA).
Protein change: p.Ser1761fs; shifts the reading frame from serine 1761.
Molecular consequence: frameshift variant.
Genome position (GRCh38, 1-based): chr16:88,432,751, A duplicated; the last of 3 consecutive A bases (chr16:88,432,749-88,432,751); duplicating any one gives the same sequence. VCF-style (leftmost placement, unchanged base first): chr16-88432748-G-GA. GRCh37 (hg19) VCF-style: chr16-88499156-G-GA.
Other names: c.5281dupA (NM_001367624.2); short protein forms S1761fs.
Identifiers: ClinVar variation 3907483 (VCV003907483.1).